The following is an entry in ClinVar:

ClinVar aggregate classification (germline): Uncertain significance (1 of 4 stars; one submission).

Conditions:
Familial focal epilepsy with variable foci (FPEVF). Identifiers: Orphanet 98820, MedGen C1858477, MONDO:0020310.

Submission:

Labcorp Genetics (formerly Invitae), Labcorp
Classification: Uncertain significance for Familial focal epilepsy with variable foci. Last evaluated: 2021-03-20. Review status: criteria provided, single submitter. Criteria: Invitae Variant Classification Sherloc (09022015). Collection method: clinical testing. Allele origin: germline.
Comment: This sequence change replaces glutamic acid with alanine at codon 1385 of the DEPDC5 protein (p.Glu1385Ala). The glutamic acid residue is highly conserved and there is a moderate physicochemical difference between glutamic acid and alanine. This variant is not present in population databases (ExAC no frequency). In summary, the available evidence is currently insufficient to determine the role of this variant in disease. Therefore, it has been classified as a Variant of Uncertain Significance. Algorithms developed to predict the effect of missense changes on protein structure and function are either unavailable or do not agree on the potential impact of this missense change (SIFT: "Deleterious"; PolyPhen-2: "Not Available"; Align-GVGD: "Class C25"). This variant has not been reported in the literature in individuals with DEPDC5-related conditions.

NM_001242896.3(DEPDC5):c.4154A>C (p.Glu1385Ala)

Gene: DEPDC5 (DEP domain containing 5, GATOR1 subcomplex subunit; plus strand). Cytogenetic location: 22q12.3.
Variant type: single nucleotide variant.
Coding change: c.4154A>C on transcript NM_001242896.3 (MANE Select); coding-DNA position 4154, A replaced by C.
Protein change: p.Glu1385Ala; replaces glutamic acid 1385 with alanine.
Molecular consequence: missense variant. On other transcripts: non-coding transcript variant (5).
Genome position (GRCh38, 1-based): chr22:31,893,702, A>C. VCF-style: chr22-31893702-A-C. GRCh37 (hg19) VCF-style: chr22-32289688-A-C.
Other names: c.4127A>C, p.Glu1376Ala (NM_001136029.4); c.3854A>C, p.Glu1285Ala (NM_001242897.2); c.4088A>C, p.Glu1363Ala (NM_001363852.2, NM_001364320.2); c.3920A>C, p.Glu1307Ala (NM_001363854.2, NM_001364319.2); c.4154A>C, p.Glu1385Ala (NM_001364318.2); c.4070A>C, p.Glu1357Ala (NM_001369901.1, NM_001369902.1); c.4061A>C, p.Glu1354Ala (NM_001369903.1, NM_014662.6); short protein forms E1285A, E1307A, E1363A, E1385A, E1354A, E1376A, E1357A.
Identifiers: ClinVar variation 1462792 (VCV001462792.8), dbSNP rs2149378618, ClinGen allele CA411287213.